The following is an entry in ClinVar:

NM_005422.4(TECTA):c.4690-1G>A

Genes: TECTA (tectorin alpha; plus strand), TBCEL-TECTA (TBCEL-TECTA readthrough; plus strand). Cytogenetic location: 11q23.3.
Variant type: single nucleotide variant.
Coding change: c.4690-1G>A on transcript NM_005422.4 (MANE Select); the canonical splice acceptor site of the intron before coding-DNA position 4690, G replaced by A.
Molecular consequence: splice acceptor variant.
Genome position (GRCh38, 1-based): chr11:121,160,134, G>A. VCF-style: chr11-121160134-G-A. GRCh37 (hg19) VCF-style: chr11-121030843-G-A.
Other names: c.5647-1G>A (NM_001378761.1).
Identifiers: ClinVar variation 2137273 (VCV002137273.6), dbSNP rs2496977483, ClinGen allele CA383028100.

ClinVar aggregate classification (germline): Pathogenic/Likely pathogenic. Review status: criteria provided, multiple submitters, no conflicts (2 of 4 stars). 2 submissions from 2 submitters: Pathogenic (1); Likely pathogenic (1). Last evaluated 2024-10-07.

Conditions:
Autosomal dominant nonsyndromic hearing loss 12. Also called: DEAFNESS, AUTOSOMAL DOMINANT 8. Identifiers: Orphanet 90635, MedGen C1832187, MONDO:0011102, OMIM 601543.

Allele frequency attached by ClinVar (database versions not stated): gnomAD exomes below 0.00001.
gnomAD v4.1: 2 of 1,614,186 alleles (0.00012%); highest among the groups gnomAD compares: Non-Finnish European, 0.00017%; no homozygotes.

Submissions (2):

Labcorp Genetics (formerly Invitae), Labcorp
Classification: Likely pathogenic. Last evaluated: 2024-10-07. Review status: criteria provided, single submitter. Criteria: Invitae Variant Classification Sherloc (09022015). Collection method: clinical testing. Allele origin: germline.
Comment: This sequence change affects an acceptor splice site in intron 13 of the TECTA gene. It is expected to disrupt RNA splicing. Variants that disrupt the donor or acceptor splice site typically lead to a loss of protein function (PMID: 16199547), and loss-of-function variants in TECTA are known to be pathogenic (PMID: 11087000, 12746400, 17431902, 24130743). This variant is not present in population databases (gnomAD no frequency). Disruption of this splice site has been observed in individual(s) with deafness (PMID: 27848944). ClinVar contains an entry for this variant (Variation ID: 2137273). Algorithms developed to predict the effect of sequence changes on RNA splicing suggest that this variant may disrupt the consensus splice site. In summary, the currently available evidence indicates that the variant is pathogenic, but additional data are needed to prove that conclusively. Therefore, this variant has been classified as Likely Pathogenic.

Genomic Medicine Center of Excellence, King Faisal Specialist Hospital and Research Centre
Classification: Pathogenic for Autosomal dominant nonsyndromic hearing loss 12. Last evaluated: 2024-03-14. Review status: criteria provided, single submitter. Criteria: ACMG Guidelines, 2015. Collection method: research. Allele origin: germline.

Literature cited by the submitters: PubMed 16199547 (cited by Labcorp Genetics (formerly Invitae), Labcorp); PubMed 11087000 (cited by Labcorp Genetics (formerly Invitae), Labcorp); PubMed 12746400 (cited by Labcorp Genetics (formerly Invitae), Labcorp); PubMed 17431902 (cited by Labcorp Genetics (formerly Invitae), Labcorp); PubMed 24130743 (cited by Labcorp Genetics (formerly Invitae), Labcorp); PubMed 27848944 (cited by Labcorp Genetics (formerly Invitae), Labcorp).